The following is an entry in ClinVar:

NM_006734.4(HIVEP2):c.7242T>A (p.Cys2414Ter)

Gene: HIVEP2 (HIVEP zinc finger 2; minus strand). Cytogenetic location: 6q24.2.
Variant type: single nucleotide variant.
Coding change: c.7242T>A on transcript NM_006734.4 (MANE Select); coding-DNA position 7242, T replaced by A.
Protein change: p.Cys2414Ter; replaces cysteine 2414 with a stop codon.
Molecular consequence: nonsense.
Genome position (GRCh38, 1-based): chr6:142,753,206, A>T on the plus strand (T>A on the coding strand, the complement: HIVEP2 is on the minus strand). VCF-style: chr6-142753206-A-T. GRCh37 (hg19) VCF-style: chr6-143074343-A-T.
Other names: c.7242T>A, p.Cys2414Ter (NM_001438449.1, NM_001438450.1, NM_001438451.1); short protein forms C2414*.
Identifiers: ClinVar variation 4755578 (VCV004755578.1).

ClinVar aggregate classification (germline): Uncertain significance (1 of 4 stars; one submission).

Submission:

GeneDx
Classification: Uncertain significance. Last evaluated: 2025-08-08. Review status: criteria provided, single submitter. Criteria: GeneDx Variant Classification Process June 2021. Collection method: clinical testing. Allele origin: germline. Affected: yes.
Comment: Not observed at significant frequency in large population cohorts (gnomAD); Nonsense variant predicted to result in protein truncation as the last 33 amino acid(s) are lost; Has not been previously published as pathogenic or benign to our knowledge